The following is an entry in ClinVar:

NM_000051.4(ATM):c.945A>G (p.Leu315=)

Gene: ATM (ATM serine/threonine kinase; plus strand). Cytogenetic location: 11q22.3.
Variant type: single nucleotide variant.
Coding change: c.945A>G on transcript NM_000051.4 (MANE Select); coding-DNA position 945, A replaced by G.
Protein change: p.Leu315=; no amino-acid change (leucine 315 retained).
Molecular consequence: synonymous variant.
Genome position (GRCh38, 1-based): chr11:108,247,007, A>G. VCF-style: chr11-108247007-A-G. GRCh37 (hg19) VCF-style: chr11-108117734-A-G.
Other names: c.945A>G, p.Leu315= (NM_001351834.2).
Identifiers: ClinVar variation 1767014 (VCV001767014.3), dbSNP rs2135265756, ClinGen allele CA476671516.

ClinVar aggregate classification (germline): Benign/Likely benign. Review status: criteria provided, multiple submitters, no conflicts (2 of 4 stars). 2 submissions from 2 submitters: Benign (1); Likely benign (1). Last evaluated 2024-04-24.

Conditions:
Hereditary cancer-predisposing syndrome. Also called: Hereditary Cancer Syndrome; Hereditary neoplastic syndrome; Neoplastic Syndromes, Hereditary; Tumor predisposition. Identifiers: Orphanet 140162, MedGen C0027672, MeSH D009386, MONDO:0015356.
Familial cancer of breast. Also called: BREAST CANCER, FAMILIAL; hereditary breast carcinoma; Hereditary breast cancer. Identifiers: Orphanet 227535, MedGen C0346153, MONDO:0016419, OMIM 114480. Disease mechanism: loss of function.

Allele frequency attached by ClinVar (database versions not stated): gnomAD exomes below 0.00001.
gnomAD v4.1: 1 of 1,613,194 alleles (0.000062%); highest among the groups gnomAD compares: Non-Finnish European, 0.000085%; no homozygotes.

Submissions (2):

Myriad Genetics, Inc.
Classification: Benign for Familial cancer of breast. Last evaluated: 2024-04-24. Review status: criteria provided, single submitter. Criteria: Myriad Autosomal Dominant, Autosomal Recessive and X-Linked Classification Criteria (2023). Collection method: clinical testing. Allele origin: unknown.
Comment: This variant is considered benign. This variant is a silent/synonymous amino acid change and it is not expected to impact splicing.

Ambry Genetics
Classification: Likely benign for Hereditary cancer-predisposing syndrome. Last evaluated: 2019-12-12. Review status: criteria provided, single submitter. Criteria: Ambry Variant Classification Scheme 2023. Collection method: clinical testing. Allele origin: germline.